The following is an entry in ClinVar:

ClinVar aggregate classification (germline): Benign (3 of 4 stars; one submission).

Conditions:
Breast-ovarian cancer, familial, susceptibility to, 2 (BROVCA2). Also called: BRCA2 Hereditary Breast and Ovarian Cancer. Identifiers: Orphanet 145, MedGen C2675520, MONDO:0012933, OMIM 612555. Disease mechanism: loss of function.

Submission:

Evidence-based Network for the Interpretation of Germline Mutant Alleles (ENIGMA)
Classification: Benign for Breast-ovarian cancer, familial, susceptibility to, 2. Last evaluated: 2016-09-28. Review status: reviewed by expert panel. Criteria: ENIGMA BRCA1/2 Classification Criteria (2015). Collection method: curation. Allele origin: germline.
Comment: Class 1 not pathogenic based on frequency >1% in an outbred sampleset. Frequency 0.0457 (European), 0.0575 (African), 0.1009 (Admixed American/Latino), 0.1101 (East Asian), 0.1493 (South Asian), derived from 1000 genomes (2013-05-02).

NM_000059.4(BRCA2):c.8332-1173del

Gene: BRCA2 (BRCA2 DNA repair associated; plus strand). Cytogenetic location: 13q13.1.
Variant type: Deletion.
Coding change: c.8332-1173del on transcript NM_000059.4 (MANE Select); 1173 bases into the intron before coding-DNA position 8332, one base deleted (T; older notation c.8332-1173delT).
Molecular consequence: intron variant.
Genome position (GRCh38, 1-based): chr13:32,369,229, T deleted; the last of 11 consecutive T bases (chr13:32,369,219-32,369,229); deleting any one gives the same sequence. VCF-style (leftmost placement, unchanged base first): chr13-32369218-AT-A. GRCh37 (hg19) VCF-style: chr13-32943355-AT-A.
Identifiers: ClinVar variation 264916 (VCV000264916.1), dbSNP rs200007569, ClinGen allele CA10588142.
Genomic context (GRCh38, chr13:32,369,218, plus strand): 5'-TCAGTATTCCAGAGTCCACGATATGTATGGTTCAGCCCTCCAGAAAATAAAGTCTCCTGC[AT>A]TTTTTTTTTTAATGCTGCAGCAAGAATAGGGTCCTGGGTTCTTTTTTAGTATGAGGGAGA-3'